The following is an entry in ClinVar:

NM_004333.6(BRAF):c.2290C>T (p.Pro764Ser)

Gene: BRAF (B-Raf proto-oncogene, serine/threonine kinase; minus strand). Cytogenetic location: 7q34.
Variant type: single nucleotide variant.
Coding change: c.2290C>T on transcript NM_004333.6 (MANE Select); coding-DNA position 2290, C replaced by T.
Protein change: p.Pro764Ser; replaces proline 764 with serine.
Molecular consequence: missense variant. On other transcripts: intron variant (9).
Genome position (GRCh38, 1-based): chr7:140,734,608, G>A on the plus strand (C>T on the coding strand, the complement: BRAF is on the minus strand). VCF-style: chr7-140734608-G-A. GRCh37 (hg19) VCF-style: chr7-140434408-G-A.
Other names: c.2410C>T, p.Pro804Ser (NM_001374244.1); c.2224C>T, p.Pro742Ser (NM_001378469.1); c.2134C>T, p.Pro712Ser (NM_001378473.1); c.2127+5204C>T (NM_001378474.1, NM_001378468.1); c.2179+9C>T (NM_001378470.1); c.2017+9C>T (NM_001378475.1); c.2170+9C>T (NM_001378471.1); c.2281+9C>T (NM_001354609.2); and 3 more; short protein forms P712S, P742S, P764S, P804S.
Identifiers: ClinVar variation 2658023 (VCV002658023.24), dbSNP rs2130867443, ClinGen allele CA369536951.

ClinVar aggregate classification (germline): Uncertain significance (1 of 4 stars; one submission).

Allele frequency attached by ClinVar (database versions not stated): gnomAD exomes below 0.00001.
gnomAD v4.1: 1 of 1,613,670 alleles (0.000062%); highest among the groups gnomAD compares: Non-Finnish European, 0.000085%; no homozygotes.

Submission:

CeGaT Center for Human Genetics Tuebingen
Classification: Uncertain significance. Last evaluated: 2023-02-01. Review status: criteria provided, single submitter. Criteria: CeGaT Center For Human Genetics Tuebingen Variant Classification Criteria Version 2. Collection method: clinical testing. Allele origin: germline. Affected: yes. Observed: 1 variant allele.
Comment: BRAF: PM2, PP2